The following is an entry in ClinVar:

ClinVar aggregate classification (germline): Uncertain significance (1 of 4 stars; one submission).

Conditions:
Inborn genetic diseases. Identifiers: MedGen C0950123, MeSH D030342.

Submission:

Ambry Genetics
Classification: Uncertain significance for Inborn genetic diseases. Last evaluated: 2026-07-15. Review status: criteria provided, single submitter. Criteria: Ambry Variant Classification Scheme 2023. Collection method: clinical testing. Allele origin: germline.
Comment: The p.H39L variant (also known as c.116A>T), located in coding exon 2 of the ELANE gene, results from an A to T substitution at nucleotide position 116. The histidine at codon 39 is replaced by leucine, an amino acid with similar properties. This amino acid position is conserved. In addition, the in silico prediction for this alteration is inconclusive. Based on the available evidence, the clinical significance of this variant remains unclear.

NM_001972.4(ELANE):c.116A>T (p.His39Leu)

Gene: ELANE (elastase, neutrophil expressed; plus strand). Cytogenetic location: 19p13.3.
Variant type: single nucleotide variant.
Coding change: c.116A>T on transcript NM_001972.4 (MANE Select); coding-DNA position 116, A replaced by T.
Protein change: p.His39Leu; replaces histidine 39 with leucine.
Molecular consequence: missense variant.
Genome position (GRCh38, 1-based): chr19:852,924, A>T. VCF-style: chr19-852924-A-T. GRCh37 (hg19) VCF-style: chr19-852924-A-T.
Other names: short protein forms H39L.
Identifiers: ClinVar variation 5035883 (VCV005035883.1).